The following is an entry in ClinVar:

ClinVar aggregate classification (germline): Pathogenic (1 of 4 stars; one submission).

Conditions:
Primary ciliary dyskinesia 33. Also called: CILIARY DYSKINESIA, PRIMARY, 33, WITHOUT SITUS INVERSUS. Identifiers: Orphanet 244, MedGen C4225230, MONDO:0014750, OMIM 616726.

Submission:

Labcorp Genetics (formerly Invitae), Labcorp
Classification: Pathogenic for Primary ciliary dyskinesia 33. Last evaluated: 2019-07-18. Review status: criteria provided, single submitter. Criteria: Invitae Variant Classification Sherloc (09022015). Collection method: clinical testing. Allele origin: germline.
Comment: This variant is a gross deletion of the genomic region encompassing exons 1-9 of the GAS8 gene, which includes the initiator codon. The 5' end of this event is unknown as it extends beyond the assayed region for this gene and therefore may encompass additional genes. The 3' boundary is likely confined to intron 9 of the GAS8 gene. This is expected to result in an absent or disrupted protein product. This variant has not been reported in the literature in individuals with GAS8-related conditions. Loss-of-function variants in GAS8 are known to be pathogenic (PMID: 26387594). For these reasons, this variant has been classified as Pathogenic.

Literature cited by the submitters: PubMed 26387594.

NC_000016.10:g.(?_90022702)_(90040529_?)del

Genes: DRC4 (dynein regulatory complex subunit 4; plus strand), GAS8-AS1 (GAS8 antisense RNA 1; minus strand). Cytogenetic location: 16q24.3.
Variant type: Deletion.
Identifiers: ClinVar variation 475553 (VCV000475553.5).